The following is an entry in ClinVar:

ClinVar aggregate classification (germline): Uncertain significance (1 of 4 stars; one submission).

gnomAD v4.1: 7 of 1,613,788 alleles (0.00043%); highest among the groups gnomAD compares: Non-Finnish European, 0.00059%; no homozygotes.

Submission:

Labcorp Genetics (formerly Invitae), Labcorp
Classification: Uncertain significance. Last evaluated: 2023-03-03. Review status: criteria provided, single submitter. Criteria: Invitae Variant Classification Sherloc (09022015). Collection method: clinical testing. Allele origin: germline.
Comment: In summary, the available evidence is currently insufficient to determine the role of this variant in disease. Therefore, it has been classified as a Variant of Uncertain Significance. Advanced modeling of protein sequence and biophysical properties (such as structural, functional, and spatial information, amino acid conservation, physicochemical variation, residue mobility, and thermodynamic stability) has been performed at Invitae for this missense variant, however the output from this modeling did not meet the statistical confidence thresholds required to predict the impact of this variant on COQ8A protein function. This variant has not been reported in the literature in individuals affected with COQ8A-related conditions. This variant is not present in population databases (gnomAD no frequency). This sequence change replaces alanine, which is neutral and non-polar, with glutamic acid, which is acidic and polar, at codon 21 of the COQ8A protein (p.Ala21Glu).

NM_020247.5(COQ8A):c.62C>A (p.Ala21Glu)

Gene: COQ8A (coenzyme Q8A; plus strand). Cytogenetic location: 1q42.13.
Variant type: single nucleotide variant.
Coding change: c.62C>A on transcript NM_020247.5 (MANE Select); coding-DNA position 62, C replaced by A.
Protein change: p.Ala21Glu; replaces alanine 21 with glutamic acid.
Molecular consequence: missense variant.
Genome position (GRCh38, 1-based): chr1:226,961,447, C>A. VCF-style: chr1-226961447-C-A. GRCh37 (hg19) VCF-style: chr1-227149148-C-A.
Other names: short protein forms A21E.
Identifiers: ClinVar variation 3011836 (VCV003011836.3), dbSNP rs142184584, ClinGen allele CA345049564.
Genomic context (GRCh38, chr1:226,961,447, plus strand): 5'-TGGCTGCCATATTGGGAGACACCATCATGGTGGCTAAAGGCCTTGTCAAGCTGACCCAGG[C>A]GGCCGTGGAAACCCACCTGCAGCACTTGGGCATCGGAGGGGAGCTGATCATGGCGGCCAG-3'
Protein context (NP_064632.2, residues 11-31): VAKGLVKLTQ[Ala21Glu]AVETHLQHLG